The following is an entry in ClinVar:

ClinVar aggregate classification (germline): Uncertain significance (1 of 4 stars; one submission).

gnomAD v4.1: 3 of 1,614,054 alleles (0.00019%); highest among the groups gnomAD compares: Non-Finnish European, 0.000085%; no homozygotes.

Submission:

GeneDx
Classification: Uncertain significance. Last evaluated: 2026-05-19. Review status: criteria provided, single submitter. Criteria: GeneDx Variant Classification Process June 2021. Collection method: clinical testing. Allele origin: germline.
Comment: Not observed at significant frequency in large population cohorts (gnomAD); In silico analysis supports that this missense variant has a deleterious effect on protein structure/function; Has not been previously published as pathogenic or benign to our knowledge

NM_001394998.1(TANC2):c.5600C>T (p.Ser1867Phe)

Gene: TANC2 (tetratricopeptide repeat, ankyrin repeat and coiled-coil containing 2; plus strand). Cytogenetic location: 17q23.3.
Variant type: single nucleotide variant.
Coding change: c.5600C>T on transcript NM_001394998.1 (MANE Select); coding-DNA position 5600, C replaced by T.
Protein change: p.Ser1867Phe; replaces serine 1867 with phenylalanine.
Molecular consequence: missense variant.
Genome position (GRCh38, 1-based): chr17:63,421,330, C>T. VCF-style: chr17-63421330-C-T. GRCh37 (hg19) VCF-style: chr17-61498691-C-T.
Other names: c.5378C>T, p.Ser1793Phe (NM_001411076.1); c.5348C>T, p.Ser1783Phe (NM_025185.4); short protein forms S1783F, S1793F, S1867F.
Identifiers: ClinVar variation 3899788 (VCV003899788.2).